The following is an entry in ClinVar:

NM_015450.3(POT1):c.479A>G (p.Gln160Arg)

Gene: POT1 (protection of telomeres 1; minus strand). Cytogenetic location: 7q31.33.
Variant type: single nucleotide variant.
Coding change: c.479A>G on transcript NM_015450.3 (MANE Select); coding-DNA position 479, A replaced by G.
Protein change: p.Gln160Arg; replaces glutamine 160 with arginine.
Molecular consequence: missense variant. On other transcripts: non-coding transcript variant (3).
Genome position (GRCh38, 1-based): chr7:124,863,417, T>C on the plus strand (A>G on the coding strand, the complement: POT1 is on the minus strand). VCF-style: chr7-124863417-T-C. GRCh37 (hg19) VCF-style: chr7-124503471-T-C.
Other names: c.86A>G, p.Gln29Arg (NM_001042594.2); short protein forms Q29R, Q160R.
Identifiers: ClinVar variation 825182 (VCV000825182.7), dbSNP rs1584772936, ClinGen allele CA369059005.

ClinVar aggregate classification (germline): Uncertain significance. Review status: criteria provided, multiple submitters, no conflicts (2 of 4 stars). 2 submissions from 2 submitters: Uncertain significance (2). Last evaluated 2024-10-10.

Conditions:
Tumor predisposition syndrome 3 (TPDS3). Also called: Glioma susceptibility 9; LONG TELOMERE SYNDROME, POT1-RELATED; POT1 Tumor Predisposition; Melanoma, cutaneous malignant, susceptibility to, 10. Identifiers: Orphanet 618, MedGen C4014476, MONDO:0014368, OMIM 615848.
Hereditary cancer-predisposing syndrome. Also called: Tumor predisposition; Hereditary Cancer Syndrome; Hereditary neoplastic syndrome; Neoplastic Syndromes, Hereditary. Identifiers: Orphanet 140162, MedGen C0027672, MeSH D009386, MONDO:0015356.

Allele frequency attached by ClinVar (database versions not stated): gnomAD exomes 0.00001.
gnomAD v4.1: 9 of 1,613,978 alleles (0.00056%); highest among the groups gnomAD compares: Non-Finnish European, 0.00076%; no homozygotes.

Submissions (2):

Ambry Genetics
Classification: Uncertain significance for Hereditary cancer-predisposing syndrome. Last evaluated: 2024-10-10. Review status: criteria provided, single submitter. Criteria: Ambry Variant Classification Scheme 2023. Collection method: clinical testing. Allele origin: germline.
Comment: The p.Q160R variant (also known as c.479A>G), located in coding exon 4 of the POT1 gene, results from an A to G substitution at nucleotide position 479. The glutamine at codon 160 is replaced by arginine, an amino acid with highly similar properties. This amino acid position is well conserved in available vertebrate species. In addition, this alteration is predicted to be tolerated by in silico analysis. Based on the available evidence, the clinical significance of this variant remains unclear.

Labcorp Genetics (formerly Invitae), Labcorp
Classification: Uncertain significance for Tumor predisposition syndrome 3. Last evaluated: 2024-07-30. Review status: criteria provided, single submitter. Criteria: Invitae Variant Classification Sherloc (09022015). Collection method: clinical testing. Allele origin: germline.
Comment: This sequence change replaces glutamine, which is neutral and polar, with arginine, which is basic and polar, at codon 160 of the POT1 protein (p.Gln160Arg). This variant is not present in population databases (gnomAD no frequency). This variant has not been reported in the literature in individuals affected with POT1-related conditions. ClinVar contains an entry for this variant (Variation ID: 825182). Advanced modeling of protein sequence and biophysical properties (such as structural, functional, and spatial information, amino acid conservation, physicochemical variation, residue mobility, and thermodynamic stability) performed at Invitae indicates that this missense variant is not expected to disrupt POT1 protein function with a negative predictive value of 80%. In summary, the available evidence is currently insufficient to determine the role of this variant in disease. Therefore, it has been classified as a Variant of Uncertain Significance.